The following is an entry in ClinVar:

ClinVar aggregate classification (germline): Conflicting classifications of pathogenicity. Review status: criteria provided, conflicting classifications (1 of 4 stars). 5 submissions from 5 submitters: Likely pathogenic (1); Uncertain significance (4). Last evaluated 2025-10-02.

Conditions:
Autosomal recessive limb-girdle muscular dystrophy type 2A (LGMDR1). Also called: Muscular dystrophy, limb-girdle, type 2A, Amish; LEYDEN-MOEBIUS MUSCULAR DYSTROPHY; MUSCULAR DYSTROPHY, PELVOFEMORAL; Calpainopathy; Limb-girdle muscular dystrophy, type 2A. Identifiers: Orphanet 267, MedGen C1869123, MONDO:0009675, OMIM 253600. Disease mechanism: loss of function.

Submissions (5):

Labcorp Genetics (formerly Invitae), Labcorp
Classification: Uncertain significance for Autosomal recessive limb-girdle muscular dystrophy type 2A. Last evaluated: 2025-10-02. Review status: criteria provided, single submitter. Criteria: Invitae Variant Classification Sherloc (09022015). Collection method: clinical testing. Allele origin: germline.
Comment: This sequence change falls in intron 13 of the CAPN3 gene. It does not directly change the encoded amino acid sequence of the CAPN3 protein. It affects a nucleotide within the consensus splice site. This variant is present in population databases (rs772774757, gnomAD 0.002%). This variant has been observed in individual(s) with clinical features of limb-girdle muscular dystrophy (PMID: 17979987, 30564623; internal data). ClinVar contains an entry for this variant (Variation ID: 194149). Variants that disrupt the consensus splice site are a relatively common cause of aberrant splicing (PMID: 17576681, 9536098). Algorithms developed to predict the effect of sequence changes on RNA splicing suggest that this variant may disrupt the consensus splice site. In summary, the available evidence is currently insufficient to determine the role of this variant in disease. Therefore, it has been classified as a Variant of Uncertain Significance.

Revvity Omics, Revvity
Classification: Uncertain significance. Last evaluated: 2025-06-30. Review status: criteria provided, single submitter. Criteria: ACMG Guidelines, 2015. Collection method: clinical testing. Allele origin: germline.

Blueprint Genetics
Classification: Uncertain significance. Last evaluated: 2024-09-24. Review status: criteria provided, single submitter. Criteria: ACMG Guidelines, 2015. Collection method: clinical testing. Allele origin: germline.

CeGaT Center for Human Genetics Tuebingen
Classification: Likely pathogenic. Last evaluated: 2021-04-01. Review status: criteria provided, single submitter. Criteria: CeGaT Center For Human Genetics Tuebingen Variant Classification Criteria Version 2. Collection method: clinical testing. Allele origin: germline. Affected: yes. Observed: 2 variant alleles.

Eurofins Ntd Llc (ga)
Classification: Uncertain significance. Last evaluated: 2015-05-08. Review status: criteria provided, single submitter. Criteria: EGL Classification Definitions 2015. Collection method: clinical testing. Allele origin: germline. Observed: 2 variant alleles, 2 heterozygotes.

Literature cited by the submitters: PubMed 17979987 (cited by Labcorp Genetics (formerly Invitae), Labcorp); PubMed 30564623 (cited by Labcorp Genetics (formerly Invitae), Labcorp); PubMed 17576681 (cited by Labcorp Genetics (formerly Invitae), Labcorp); PubMed 9536098 (cited by Labcorp Genetics (formerly Invitae), Labcorp).

NM_000070.3(CAPN3):c.1745+4_1745+7del

Gene: CAPN3 (calpain 3; plus strand). Cytogenetic location: 15q15.1.
Variant type: Microsatellite.
Coding change: c.1745+4_1745+7del on transcript NM_000070.3 (MANE Select); bases 4 to 7 of the intron after coding-DNA position 1745, 4 bases deleted (AGTG; older notation c.1745+4_1745+7delAGTG).
Molecular consequence: splice donor variant.
Genome position (GRCh38, 1-based): chr15:42,403,006-42,403,009, AGTG deleted; deleting any 4 consecutive bases within chr15:42,403,000-42,403,009 gives the same sequence; the c. name uses the placement nearest the transcript's 3' end. VCF-style (leftmost placement, unchanged base first): chr15-42402999-CTGAG-C. GRCh37 (hg19) VCF-style: chr15-42695197-CTGAG-C.
Other names: c.1745+4_1745+7del (NM_024344.2); c.1601+4_1601+7del (NM_173087.2); c.209+4_209+7del (NM_173088.2).
Identifiers: ClinVar variation 194149 (VCV000194149.55), dbSNP rs794727082, ClinGen allele CA239990.
Genomic context (GRCh38, chr15:42,402,999, plus strand): 5'-ACGAGCCCCACCAGGAGGGGGAATTCATCCTCCGGGTCTTCTCTGAAAAGAGGAACCTCT[CTGAG>C]TGAGTGCTGGCCCAGCTTTCCCACGTGTTTCTAAAAGCTCACATGGCCCACTCCAGAGGT-3'